The following is an entry in ClinVar:

ClinVar aggregate classification (germline): Uncertain significance (1 of 4 stars; one submission).

Conditions:
Pulmonary hypertension, primary, 4. Identifiers: Orphanet 422, MedGen C3809198, MONDO:0014136, OMIM 615344.

gnomAD v4.1: 3 of 1,443,886 alleles (0.00021%); highest among the groups gnomAD compares: Non-Finnish European, 0.00027%; no homozygotes.

Submission:

Labcorp Genetics (formerly Invitae), Labcorp
Classification: Uncertain significance for Pulmonary hypertension, primary, 4. Last evaluated: 2024-08-15. Review status: criteria provided, single submitter. Criteria: Invitae Variant Classification Sherloc (09022015). Collection method: clinical testing. Allele origin: germline.
Comment: This sequence change replaces valine, which is neutral and non-polar, with alanine, which is neutral and non-polar, at codon 394 of the KCNK3 protein (p.Val394Ala). This variant is not present in population databases (gnomAD no frequency). This variant has not been reported in the literature in individuals affected with KCNK3-related conditions. An algorithm developed to predict the effect of missense changes on protein structure and function (PolyPhen-2) suggests that this variant is likely to be tolerated. In summary, the available evidence is currently insufficient to determine the role of this variant in disease. Therefore, it has been classified as a Variant of Uncertain Significance.

NM_002246.3(KCNK3):c.1181T>C (p.Val394Ala)

Gene: KCNK3 (potassium two pore domain channel subfamily K member 3; plus strand). Cytogenetic location: 2p23.3.
Variant type: single nucleotide variant.
Coding change: c.1181T>C on transcript NM_002246.3 (MANE Select); coding-DNA position 1181, T replaced by C.
Protein change: p.Val394Ala; replaces valine 394 with alanine.
Molecular consequence: missense variant.
Genome position (GRCh38, 1-based): chr2:26,728,564, T>C. VCF-style: chr2-26728564-T-C. GRCh37 (hg19) VCF-style: chr2-26951432-T-C.
Other names: short protein forms V394A.
Identifiers: ClinVar variation 3670446 (VCV003670446.2).